The following is an entry in ClinVar:

NM_006648.4(WNK2):c.4451C>A (p.Pro1484His)

Gene: WNK2 (WNK lysine deficient protein kinase 2; plus strand). Cytogenetic location: 9q22.31.
Variant type: single nucleotide variant.
Coding change: c.4451C>A on transcript NM_006648.4 (MANE Select); coding-DNA position 4451, C replaced by A.
Protein change: p.Pro1484His; replaces proline 1484 with histidine.
Molecular consequence: missense variant.
Genome position (GRCh38, 1-based): chr9:93,289,205, C>A. VCF-style: chr9-93289205-C-A. GRCh37 (hg19) VCF-style: chr9-96051487-C-A.
Other names: c.4562C>A, p.Pro1521His (NM_001282394.3); short protein forms P1521H, P1484H.
Identifiers: ClinVar variation 3982047 (VCV003982047.1).

ClinVar aggregate classification (germline): Uncertain significance (1 of 4 stars; one submission).

Submission:

Ambry Genetics
Classification: Uncertain significance. Last evaluated: 2025-05-16. Review status: criteria provided, single submitter. Criteria: Ambry Variant Classification Scheme 2023. Collection method: clinical testing. Allele origin: germline.
Comment: The p.P1484H variant (also known as c.4451C>A), located in coding exon 19 of the WNK2 gene, results from a C to A substitution at nucleotide position 4451. The proline at codon 1484 is replaced by histidine, an amino acid with similar properties. This amino acid position is conserved. In addition, this alteration is predicted to be tolerated by in silico analysis. Based on the available evidence, the clinical significance of this variant remains unclear.